The following is an entry in ClinVar:

NM_182931.3(KMT2E):c.4507G>C (p.Ala1503Pro)

Gene: KMT2E (lysine methyltransferase 2E (inactive); plus strand). Cytogenetic location: 7q22.3.
Variant type: single nucleotide variant.
Coding change: c.4507G>C on transcript NM_182931.3 (MANE Select); coding-DNA position 4507, G replaced by C.
Protein change: p.Ala1503Pro; replaces alanine 1503 with proline.
Molecular consequence: missense variant.
Genome position (GRCh38, 1-based): chr7:105,112,263, G>C. VCF-style: chr7-105112263-G-C. GRCh37 (hg19) VCF-style: chr7-104752710-G-C.
Other names: c.4381G>C, p.Ala1461Pro (NM_001410908.1); c.4507G>C, p.Ala1503Pro (NM_018682.4); short protein forms A1461P, A1503P.
Identifiers: ClinVar variation 2765753 (VCV002765753.3), dbSNP rs2536524850, ClinGen allele CA368792815.

ClinVar aggregate classification (germline): Uncertain significance (1 of 4 stars; one submission).

Submission:

Labcorp Genetics (formerly Invitae), Labcorp
Classification: Uncertain significance. Last evaluated: 2023-10-05. Review status: criteria provided, single submitter. Criteria: Invitae Variant Classification Sherloc (09022015). Collection method: clinical testing. Allele origin: germline.
Comment: This sequence change replaces alanine, which is neutral and non-polar, with proline, which is neutral and non-polar, at codon 1503 of the KMT2E protein (p.Ala1503Pro). This variant is not present in population databases (gnomAD no frequency). This variant has not been reported in the literature in individuals affected with KMT2E-related conditions. Advanced modeling of protein sequence and biophysical properties (such as structural, functional, and spatial information, amino acid conservation, physicochemical variation, residue mobility, and thermodynamic stability) performed at Invitae indicates that this missense variant is not expected to disrupt KMT2E protein function. In summary, the available evidence is currently insufficient to determine the role of this variant in disease. Therefore, it has been classified as a Variant of Uncertain Significance.